The following is an entry in ClinVar:

NM_133459.4(CCBE1):c.1064A>C (p.Lys355Thr)

Gene: CCBE1 (collagen and calcium binding EGF domains 1; minus strand). Cytogenetic location: 18q21.32.
Variant type: single nucleotide variant.
Coding change: c.1064A>C on transcript NM_133459.4 (MANE Select); coding-DNA position 1064, A replaced by C.
Protein change: p.Lys355Thr; replaces lysine 355 with threonine.
Molecular consequence: missense variant.
Genome position (GRCh38, 1-based): chr18:59,436,065, T>G on the plus strand (A>C on the coding strand, the complement: CCBE1 is on the minus strand). VCF-style: chr18-59436065-T-G. GRCh37 (hg19) VCF-style: chr18-57103297-T-G.
Other names: short protein forms K355T.
Identifiers: ClinVar variation 888597 (VCV000888597.22), dbSNP rs139059968, ClinGen allele CA8980185.

ClinVar aggregate classification (germline): Conflicting classifications of pathogenicity. Review status: criteria provided, conflicting classifications (1 of 4 stars). 6 submissions from 6 submitters: Uncertain significance (2); Likely benign (4). Last evaluated 2026-01-26.

Conditions:
CCBE1-related disorder. Also called: CCBE1-related condition.
Hennekam lymphangiectasia-lymphedema syndrome 1 (HKLLS1). Also called: LYMPHATIC DYSPLASIA, GENERALIZED. Identifiers: Orphanet 2136, MedGen C4012050, MONDO:0009337, OMIM 235510.

Allele frequency attached by ClinVar (database versions not stated): 1000 Genomes Project 30x 0.00031; 1000 Genomes Project 0.00040; ExAC 0.00102; gnomAD exomes 0.00124; TOPMed 0.00124; gnomAD 0.00126 and 0.00127; ESP Exome Variant Server 0.00185.
gnomAD v4.1: 3,103 of 1,614,148 alleles (0.19%); highest among the groups gnomAD compares: Non-Finnish European, 0.24%; 4 homozygotes.

Submissions (6):

Labcorp Genetics (formerly Invitae), Labcorp
Classification: Likely benign. Last evaluated: 2026-01-26. Review status: criteria provided, single submitter. Criteria: Invitae Variant Classification Sherloc (09022015). Collection method: clinical testing. Allele origin: germline.

CeGaT Center for Human Genetics Tuebingen
Classification: Likely benign. Last evaluated: 2025-10-01. Review status: criteria provided, single submitter. Criteria: CeGaT Center For Human Genetics Tuebingen Variant Classification Criteria Version 2. Collection method: clinical testing. Allele origin: germline. Affected: yes. Observed: 1 variant allele.
Comment: CCBE1: BS2

ARUP Laboratories, Molecular Genetics and Genomics, ARUP Laboratories
Classification: Uncertain significance for Hennekam lymphangiectasia-lymphedema syndrome 1. Last evaluated: 2025-06-12. Review status: criteria provided, single submitter. Criteria: ARUP Molecular Germline Variant Investigation Process 2024. Collection method: clinical testing. Allele origin: germline.
Comment: The CCBE1 c.1064A>C; p.Lys355Thr variant (rs139059968), to our knowledge, is not reported in the medical literature in CCBE1-related conditions but is reported in ClinVar (Variation ID: 888597). This variant is found in the general population with an overall allele frequency of 0.12% (337/282,874 alleles, including 1 homozygote) in the Genome Aggregation Database (v2.1.1). Computational analyses are uncertain whether this variant is neutral or deleterious (REVEL: 0.26). Due to limited information, the clinical significance of this variant is uncertain at this time.

Women's Health and Genetics/Laboratory Corporation of America, LabCorp
Classification: Likely benign. Last evaluated: 2025-04-15. Review status: criteria provided, single submitter. Criteria: LabCorp Variant Classification Summary - May 2015. Collection method: clinical testing. Allele origin: germline.
Comment: Variant summary: CCBE1 c.1064A>C (p.Lys355Thr) results in a non-conservative amino acid change in the encoded protein sequence. Four of five in-silico tools predict a damaging effect of the variant on protein function. The variant allele was found at a frequency of 0.0012 in 251490 control chromosomes in the gnomAD database, including one homozygote. The observed variant frequency is approximately 2.21 fold of the estimated maximal expected allele frequency for a pathogenic variant in CCBE1 causing Hennekam Lymphangiectasia-Lymphedema Syndrome phenotype (0.00056). To our knowledge, no occurrence of c.1064A>C in individuals affected with Hennekam Lymphangiectasia-Lymphedema Syndrome and no experimental evidence demonstrating its impact on protein function have been reported. ClinVar contains an entry for this variant (Variation ID: 888597). Based on the evidence outlined above, the variant was classified as likely benign.

PreventionGenetics, part of Exact Sciences
Classification: Likely benign for CCBE1-related condition. Last evaluated: 2024-10-22. Review status: criteria provided, single submitter. Criteria: ACMG Guidelines, 2015. Collection method: clinical testing. Allele origin: germline.
Comment: This variant is classified as likely benign based on ACMG/AMP sequence variant interpretation guidelines (Richards et al. 2015 PMID: 25741868, with internal and published modifications).

Illumina Laboratory Services, Illumina
Classification: Uncertain significance for Hennekam lymphangiectasia-lymphedema syndrome 1. Last evaluated: 2018-01-13. Review status: criteria provided, single submitter. Criteria: ICSL Variant Classification Criteria 13 December 2019. Collection method: clinical testing. Allele origin: germline.